The following is an entry in ClinVar:

NM_001197104.2(KMT2A):c.5104A>C (p.Lys1702Gln)

Gene: KMT2A (lysine methyltransferase 2A; plus strand). Cytogenetic location: 11q23.3.
Variant type: single nucleotide variant.
Coding change: c.5104A>C on transcript NM_001197104.2 (MANE Select); coding-DNA position 5104, A replaced by C.
Protein change: p.Lys1702Gln; replaces lysine 1702 with glutamine.
Molecular consequence: missense variant.
Genome position (GRCh38, 1-based): chr11:118,493,156, A>C. VCF-style: chr11-118493156-A-C. GRCh37 (hg19) VCF-style: chr11-118363871-A-C.
Other names: c.5194A>C, p.Lys1732Gln (NM_001412597.1); c.5095A>C, p.Lys1699Gln (NM_005933.4); short protein forms K1699Q, K1702Q, K1732Q.
Identifiers: ClinVar variation 4800539 (VCV004800539.1).

ClinVar aggregate classification (germline): Uncertain significance (1 of 4 stars; one submission).

Submission:

Labcorp Genetics (formerly Invitae), Labcorp
Classification: Uncertain significance. Last evaluated: 2025-03-13. Review status: criteria provided, single submitter. Criteria: Invitae Variant Classification Sherloc (09022015). Collection method: clinical testing. Allele origin: germline.
Comment: This sequence change replaces lysine, which is basic and polar, with glutamine, which is neutral and polar, at codon 1702 of the KMT2A protein (p.Lys1702Gln). This variant is not present in population databases (gnomAD no frequency). This variant has not been reported in the literature in individuals affected with KMT2A-related conditions. Invitae Evidence Modeling of protein sequence and biophysical properties (such as structural, functional, and spatial information, amino acid conservation, physicochemical variation, residue mobility, and thermodynamic stability) indicates that this missense variant is not expected to disrupt KMT2A protein function with a negative predictive value of 95%. In summary, the available evidence is currently insufficient to determine the role of this variant in disease. Therefore, it has been classified as a Variant of Uncertain Significance.